The following is an entry in ClinVar:

ClinVar aggregate classification (germline): Uncertain significance (1 of 4 stars; one submission).

Submission:

Labcorp Genetics (formerly Invitae), Labcorp
Classification: Uncertain significance. Last evaluated: 2022-11-14. Review status: criteria provided, single submitter. Criteria: Invitae Variant Classification Sherloc (09022015). Collection method: clinical testing. Allele origin: germline.
Comment: In summary, the available evidence is currently insufficient to determine the role of this variant in disease. Therefore, it has been classified as a Variant of Uncertain Significance. Algorithms developed to predict the effect of missense changes on protein structure and function are either unavailable or do not agree on the potential impact of this missense change (SIFT: "Tolerated"; PolyPhen-2: "Possibly Damaging"; Align-GVGD: "Class C0"). ClinVar contains an entry for this variant (Variation ID: 1513367). This variant has not been reported in the literature in individuals affected with DMRT2-related conditions. This variant is not present in population databases (gnomAD no frequency). This sequence change replaces proline, which is neutral and non-polar, with alanine, which is neutral and non-polar, at codon 96 of the DMRT2 protein (p.Pro96Ala).

NM_181872.6(DMRT2):c.286C>G (p.Pro96Ala)

Gene: DMRT2 (doublesex and mab-3 related transcription factor 2; plus strand). Cytogenetic location: 9p24.3.
Variant type: single nucleotide variant.
Coding change: c.286C>G on transcript NM_181872.6 (MANE Select); coding-DNA position 286, C replaced by G.
Protein change: p.Pro96Ala; replaces proline 96 with alanine.
Molecular consequence: missense variant. On other transcripts: 5 prime UTR variant (1), non-coding transcript variant (1).
Genome position (GRCh38, 1-based): chr9:1,051,899, C>G. VCF-style: chr9-1051899-C-G. GRCh37 (hg19) VCF-style: chr9-1051899-C-G.
Other names: c.286C>G, p.Pro96Ala (NM_001130865.3, NM_001370531.1, NM_001370533.1 and 4 more transcripts); c.-365C>G (NM_001370532.1); short protein forms P96A.
Identifiers: ClinVar variation 1513367 (VCV001513367.8), dbSNP rs1586731394, ClinGen allele CA372773400.